The following is an entry in ClinVar:

ClinVar aggregate classification (germline): Uncertain significance (1 of 4 stars; one submission).

Conditions:
Inborn genetic diseases. Identifiers: MedGen C0950123, MeSH D030342.

Submission:

Ambry Genetics
Classification: Uncertain significance for Inborn genetic diseases. Last evaluated: 2026-02-18. Review status: criteria provided, single submitter. Criteria: Ambry Variant Classification Scheme 2023. Collection method: clinical testing. Allele origin: germline.
Comment: The p.P113H variant (also known as c.338C>A), located in coding exon 3 of the RUNX1 gene, results from a C to A substitution at nucleotide position 338. The proline at codon 113 is replaced by histidine, an amino acid with similar properties. This amino acid position is highly conserved in available vertebrate species. In addition, this alteration is predicted to be deleterious by in silico analysis. Based on the available evidence, the clinical significance of this variant remains unclear.

NM_001754.5(RUNX1):c.338C>A (p.Pro113His)

Gene: RUNX1 (RUNX family transcription factor 1; minus strand). Cytogenetic location: 21q22.12.
Variant type: single nucleotide variant.
Coding change: c.338C>A on transcript NM_001754.5 (MANE Select); coding-DNA position 338, C replaced by A.
Protein change: p.Pro113His; replaces proline 113 with histidine.
Molecular consequence: missense variant.
Genome position (GRCh38, 1-based): chr21:34,886,856, G>T on the plus strand (C>A on the coding strand, the complement: RUNX1 is on the minus strand). VCF-style: chr21-34886856-G-T. GRCh37 (hg19) VCF-style: chr21-36259153-G-T.
Other names: c.257C>A, p.Pro86His (NM_001001890.3, NM_001122607.2); short protein forms P86H, P113H.
Identifiers: ClinVar variation 4825288 (VCV004825288.1).
Genomic context (GRCh38, chr21:34,886,856, plus strand): 5'-CTCGCCGGCCTCCGCCTGTCCTCCCACCACCCTCTCCGGGCCAGTACCTTGAAAGCGATG[G>T]GCAGGGTCTTGTTGCAGCGCCAGTGCGTAGGCAGCACGGAGCAGAGGAAGTTGGGGCTGT-3'
Protein context (NP_001745.2, residues 103-123): PTHWRCNKTL[Pro113His]IAFKVVALGD